The following is an entry in ClinVar:

ClinVar aggregate classification (germline): Likely benign. Review status: criteria provided, multiple submitters, no conflicts (2 of 4 stars). 2 submissions from 2 submitters: Likely benign (2). Last evaluated 2026-01-29.

Conditions:
Spastic paraplegia. Identifiers: MedGen C0037772, HP:0001258.

Allele frequency attached by ClinVar (database versions not stated): gnomAD exomes below 0.00001 and 0.00001; gnomAD 0.00002; TOPMed 0.00003.
gnomAD v4.1: 13 of 1,613,918 alleles (0.00081%); highest among the groups gnomAD compares: African/African-American, 0.0067%; no homozygotes.

Submissions (2):

Labcorp Genetics (formerly Invitae), Labcorp
Classification: Likely benign for Spastic paraplegia. Last evaluated: 2026-01-29. Review status: criteria provided, single submitter. Criteria: Invitae Variant Classification Sherloc (09022015). Collection method: clinical testing. Allele origin: germline.

GeneDx
Classification: Likely benign. Last evaluated: 2017-07-10. Review status: criteria provided, single submitter. Criteria: GeneDx Variant Classification (06012015). Collection method: clinical testing. Allele origin: germline. Affected: yes.
Comment: This variant is considered likely benign or benign based on one or more of the following criteria: it is a conservative change, it occurs at a poorly conserved position in the protein, it is predicted to be benign by multiple in silico algorithms, and/or has population frequency not consistent with disease.

NM_004984.4(KIF5A):c.2655C>T (p.Gly885=)

Gene: KIF5A (kinesin family member 5A; plus strand). Cytogenetic location: 12q13.3.
Variant type: single nucleotide variant.
Coding change: c.2655C>T on transcript NM_004984.4 (MANE Select); coding-DNA position 2655, C replaced by T.
Protein change: p.Gly885=; no amino-acid change (glycine 885 retained).
Molecular consequence: synonymous variant.
Genome position (GRCh38, 1-based): chr12:57,581,072, C>T. VCF-style: chr12-57581072-C-T. GRCh37 (hg19) VCF-style: chr12-57974855-C-T.
Other names: c.2388C>T, p.Gly796= (NM_001354705.2).
Identifiers: ClinVar variation 510792 (VCV000510792.4), dbSNP rs1007236664, ClinGen allele CA237790892.
Genomic context (GRCh38, chr12:57,581,072, plus strand): 5'-TAGGGCTACGGCTGAGAGAGTTAAGGCCCTGGAGGGTGCACTGAAGGAGGCCAAGGAGGG[C>T]GCCATGAAGGACAAGCGCCGGTACCAGCAGGAGGTGGACCGCATCAAGGAGGCCGTTCGC-3'
Protein context (NP_004975.2, residues 875-895): LEGALKEAKE[Gly885=]AMKDKRRYQQ